The following is an entry in ClinVar:

NM_002661.5(PLCG2):c.1446C>G (p.Tyr482Ter)

Gene: PLCG2 (phospholipase C gamma 2; plus strand). Cytogenetic location: 16q23.3.
Variant type: single nucleotide variant.
Coding change: c.1446C>G on transcript NM_002661.5 (MANE Select); coding-DNA position 1446, C replaced by G.
Protein change: p.Tyr482Ter; replaces tyrosine 482 with a stop codon.
Molecular consequence: nonsense.
Genome position (GRCh38, 1-based): chr16:81,905,486, C>G. VCF-style: chr16-81905486-C-G. GRCh37 (hg19) VCF-style: chr16-81939091-C-G.
Other names: short protein forms Y482*.
Identifiers: ClinVar variation 1312635 (VCV001312635.2), dbSNP rs1567525903, ClinGen allele CA396899761.

ClinVar aggregate classification (germline): Uncertain significance (1 of 4 stars; one submission).

Submission:

GeneDx
Classification: Uncertain significance. Last evaluated: 2020-05-01. Review status: criteria provided, single submitter. Criteria: GeneDx Variant Classification Process June 2021. Collection method: clinical testing. Allele origin: germline. Affected: yes.
Comment: Not observed in large population cohorts (Lek et al., 2016); Nonsense variant predicted to result in protein truncation or nonsense mediated decay in a gene for which loss-of-function is not a known mechanism of disease; Has not been previously published as pathogenic or benign to our knowledge